The following is an entry in ClinVar:

NM_001367624.2(ZNF469):c.2333C>A (p.Ala778Asp)

Gene: ZNF469 (zinc finger protein 469; plus strand). Cytogenetic location: 16q24.2.
Variant type: single nucleotide variant.
Coding change: c.2333C>A on transcript NM_001367624.2 (MANE Select); coding-DNA position 2333, C replaced by A.
Protein change: p.Ala778Asp; replaces alanine 778 with aspartic acid.
Molecular consequence: missense variant.
Genome position (GRCh38, 1-based): chr16:88,429,803, C>A. VCF-style: chr16-88429803-C-A. GRCh37 (hg19) VCF-style: chr16-88496211-C-A.
Other names: p.Ala778Asp; short protein forms A778D.
Identifiers: ClinVar variation 4542056 (VCV004542056.1).

ClinVar aggregate classification (germline): Uncertain significance (1 of 4 stars; one submission).

Submission:

Mayo Clinic Laboratories, Mayo Clinic
Classification: Uncertain significance. Last evaluated: 2025-03-31. Review status: criteria provided, single submitter. Criteria: ACMG Guidelines, 2015. Collection method: clinical testing. Allele origin: germline. Observed: 1 variant allele.
Comment: BP4_moderate, PM2_supporting